The following is an entry in ClinVar:

NM_182746.3(MCM4):c.1277C>T (p.Ala426Val)

Gene: MCM4 (minichromosome maintenance complex component 4; plus strand). Cytogenetic location: 8q11.21.
Variant type: single nucleotide variant.
Coding change: c.1277C>T on transcript NM_182746.3 (MANE Select); coding-DNA position 1277, C replaced by T.
Protein change: p.Ala426Val; replaces alanine 426 with valine.
Molecular consequence: missense variant.
Genome position (GRCh38, 1-based): chr8:47,969,900, C>T. VCF-style: chr8-47969900-C-T. GRCh37 (hg19) VCF-style: chr8-48882460-C-T.
Other names: c.1277C>T, p.Ala426Val (NM_005914.4); short protein forms A426V.
Identifiers: ClinVar variation 3672945 (VCV003672945.2).

ClinVar aggregate classification (germline): Uncertain significance (1 of 4 stars; one submission).

gnomAD v4.1: 2 of 1,614,196 alleles (0.00012%); highest among the groups gnomAD compares: Admixed American, 0.0017%; no homozygotes.

Submission:

Labcorp Genetics (formerly Invitae), Labcorp
Classification: Uncertain significance. Last evaluated: 2024-05-22. Review status: criteria provided, single submitter. Criteria: Invitae Variant Classification Sherloc (09022015). Collection method: clinical testing. Allele origin: germline.
Comment: This sequence change replaces alanine, which is neutral and non-polar, with valine, which is neutral and non-polar, at codon 426 of the MCM4 protein (p.Ala426Val). This variant is not present in population databases (gnomAD no frequency). This variant has not been reported in the literature in individuals affected with MCM4-related conditions. Advanced modeling of protein sequence and biophysical properties (such as structural, functional, and spatial information, amino acid conservation, physicochemical variation, residue mobility, and thermodynamic stability) performed at Invitae indicates that this missense variant is not expected to disrupt MCM4 protein function with a negative predictive value of 80%. In summary, the available evidence is currently insufficient to determine the role of this variant in disease. Therefore, it has been classified as a Variant of Uncertain Significance.